The following is an entry in ClinVar:

ClinVar aggregate classification (germline): Conflicting classifications of pathogenicity. Review status: criteria provided, conflicting classifications (1 of 4 stars). 3 submissions from 3 submitters: Uncertain significance (2); Likely benign (1). Last evaluated 2025-08-30.

Conditions:
Malignant hyperthermia, susceptibility to, 5 (MHS5). Also called: CACNA1S-Related Malignant Hyperthermia Susceptibility. Identifiers: Orphanet 423, MedGen C1866077, MONDO:0011163, OMIM 601887.
Hypokalemic periodic paralysis, type 1. Also called: HypoPP; Hypokalemic Periodic Paralysis Type 1 (AD). Identifiers: Orphanet 681, MedGen C3714580, MONDO:0042979, OMIM 170400.

Allele frequency attached by ClinVar (database versions not stated): gnomAD 0.00001; gnomAD exomes 0.00001; ExAC 0.00002.
gnomAD v4.1: 9 of 1,613,674 alleles (0.00056%); highest among the groups gnomAD compares: South Asian, 0.0066%; no homozygotes.

Submissions (3):

Color Diagnostics, LLC DBA Color Health
Classification: Uncertain significance for Malignant hyperthermia, susceptibility to, 5. Last evaluated: 2025-08-30. Review status: criteria provided, single submitter. Criteria: ACMG Guidelines, 2015. Collection method: clinical testing. Allele origin: germline.
Comment: This missense variant replaces glutamic acid with lysine at codon 1752 of the CACNA1S protein. Computational prediction suggests that this variant may not impact protein structure and function. To our knowledge, functional studies have not been reported for this variant. This variant has not been reported in individuals affected with CACNA1S-related disorders in the literature. This variant has been identified in 4/250352 chromosomes in the general population by the Genome Aggregation Database (gnomAD). The available evidence is insufficient to determine the role of this variant in disease conclusively. Therefore, this variant is classified as a Variant of Uncertain Significance.

All of Us Research Program, National Institutes of Health
Classification: Uncertain significance for Malignant hyperthermia, susceptibility to, 5. Last evaluated: 2023-02-10. Review status: criteria provided, single submitter. Criteria: ACMG Guidelines, 2015. Collection method: clinical testing. Allele origin: germline. Inheritance: Autosomal dominant inheritance. Observed: 1 variant allele, 1 heterozygote.
Comment: This study involves interpretation of variants in research participants for the purpose of population health screening. Participant phenotype was not available at the time of variant classification. Additional details can be found in publication PMID: 35346344, PMCID: PMC8962531

Labcorp Genetics (formerly Invitae), Labcorp
Classification: Likely benign for Hypokalemic periodic paralysis, type 1; Malignant hyperthermia, susceptibility to, 5. Last evaluated: 2022-03-03. Review status: criteria provided, single submitter. Criteria: Invitae Variant Classification Sherloc (09022015). Collection method: clinical testing. Allele origin: germline.

NM_000069.3(CACNA1S):c.5254G>A (p.Glu1752Lys)

Gene: CACNA1S (calcium voltage-gated channel subunit alpha1 S; minus strand). Cytogenetic location: 1q32.1.
Variant type: single nucleotide variant.
Coding change: c.5254G>A on transcript NM_000069.3 (MANE Select); coding-DNA position 5254, G replaced by A.
Protein change: p.Glu1752Lys; replaces glutamic acid 1752 with lysine.
Molecular consequence: missense variant.
Genome position (GRCh38, 1-based): chr1:201,040,347, C>T on the plus strand (G>A on the coding strand, the complement: CACNA1S is on the minus strand). VCF-style: chr1-201040347-C-T. GRCh37 (hg19) VCF-style: chr1-201009475-C-T.
Other names: short protein forms E1752K.
Identifiers: ClinVar variation 2143376 (VCV002143376.6), dbSNP rs747004063, ClinGen allele CA083789.